The following is an entry in ClinVar:

ClinVar aggregate classification (germline): Uncertain significance (1 of 4 stars; one submission).

Conditions:
Cardiovascular phenotype. Identifiers: MedGen CN230736.
Hereditary cancer-predisposing syndrome. Also called: Neoplastic Syndromes, Hereditary; Tumor predisposition; Hereditary Cancer Syndrome; Hereditary neoplastic syndrome. Identifiers: Orphanet 140162, MedGen C0027672, MeSH D009386, MONDO:0015356.

Submission:

Ambry Genetics
Classification: Uncertain significance for Cardiovascular phenotype; Hereditary cancer-predisposing syndrome. Last evaluated: 2025-09-30. Review status: criteria provided, single submitter. Criteria: Ambry Variant Classification Scheme 2023. Collection method: clinical testing. Allele origin: germline.
Comment: The c.2241C>T variant (also known as p.Y747Y), located in coding exon 19 of the LZTR1 gene, results from a C to T substitution at nucleotide position 2241. This nucleotide substitution does not change the amino acid at codon 747. This nucleotide position is not well conserved in available vertebrate species. In silico splice site analysis for this alteration is inconclusive. Based on the available evidence, the clinical significance of this variant remains unclear.

NM_006767.4(LZTR1):c.2241C>T (p.Tyr747=)

Gene: LZTR1 (leucine zipper like post translational regulator 1; plus strand). Cytogenetic location: 22q11.21.
Variant type: single nucleotide variant.
Coding change: c.2241C>T on transcript NM_006767.4 (MANE Select); coding-DNA position 2241, C replaced by T.
Protein change: p.Tyr747=; no amino-acid change (tyrosine 747 retained).
Molecular consequence: synonymous variant.
Genome position (GRCh38, 1-based): chr22:20,996,717, C>T. VCF-style: chr22-20996717-C-T. GRCh37 (hg19) VCF-style: chr22-21351006-C-T.
Identifiers: ClinVar variation 4615601 (VCV004615601.1).